The following is an entry in ClinVar:

ClinVar aggregate classification (germline): Uncertain significance. Review status: criteria provided, multiple submitters, no conflicts (2 of 4 stars). 4 submissions from 4 submitters: Uncertain significance (4). Last evaluated 2025-12-03.

Conditions:
NPHP3-related disorder. Also called: NPHP3-related disorders; NPHP3-related condition. Identifiers: MedGen CN379163.
Inborn genetic diseases. Identifiers: MedGen C0950123, MeSH D030342.
Nephronophthisis. Also called: Juvenile Nephronophthisis. Identifiers: Orphanet 655, MedGen C0687120, MONDO:0019005, HP:0000090.

Allele frequency attached by ClinVar (database versions not stated): TOPMed 0.00002; ExAC 0.00003; gnomAD exomes 0.00003 and 0.00005; gnomAD 0.00004.
gnomAD v4.1: 42 of 1,613,984 alleles (0.0026%); highest among the groups gnomAD compares: Non-Finnish European, 0.0036%; no homozygotes.

Submissions (4):

PreventionGenetics, part of Exact Sciences
Classification: Uncertain significance for NPHP3-related condition. Last evaluated: 2025-12-03. Review status: criteria provided, single submitter. Criteria: ACMG Guidelines, 2015. Collection method: clinical testing. Allele origin: germline.
Comment: The NPHP3 c.2423A>C variant is predicted to result in the amino acid substitution p.Lys808Thr. To our knowledge, this variant has not been reported in the literature. This variant is reported in 0.011% of alleles in individuals of European (non-Finnish) descent in gnomAD. At this time, the clinical significance of this variant is uncertain due to the absence of conclusive functional and genetic evidence.

Blueprint Genetics
Classification: Uncertain significance. Last evaluated: 2024-10-10. Review status: criteria provided, single submitter. Criteria: ACMG Guidelines, 2015. Collection method: clinical testing. Allele origin: germline.

Ambry Genetics
Classification: Uncertain significance for Inborn genetic diseases. Last evaluated: 2023-07-12. Review status: criteria provided, single submitter. Criteria: Ambry Variant Classification Scheme 2023. Collection method: clinical testing. Allele origin: germline.

Labcorp Genetics (formerly Invitae), Labcorp
Classification: Uncertain significance for Nephronophthisis. Last evaluated: 2023-07-03. Review status: criteria provided, single submitter. Criteria: Invitae Variant Classification Sherloc (09022015). Collection method: clinical testing. Allele origin: germline.
Comment: In summary, the available evidence is currently insufficient to determine the role of this variant in disease. Therefore, it has been classified as a Variant of Uncertain Significance. Advanced modeling of protein sequence and biophysical properties (such as structural, functional, and spatial information, amino acid conservation, physicochemical variation, residue mobility, and thermodynamic stability) performed at Invitae indicates that this missense variant is not expected to disrupt NPHP3 protein function. ClinVar contains an entry for this variant (Variation ID: 942251). This variant has not been reported in the literature in individuals affected with NPHP3-related conditions. This variant is present in population databases (rs763361711, gnomAD 0.01%). This sequence change replaces lysine, which is basic and polar, with threonine, which is neutral and polar, at codon 808 of the NPHP3 protein (p.Lys808Thr).

NM_153240.5(NPHP3):c.2423A>C (p.Lys808Thr)

Genes: NPHP3 (nephrocystin 3; minus strand), NPHP3-ACAD11 (NPHP3-ACAD11 readthrough (NMD candidate); minus strand). Cytogenetic location: 3q22.1.
Variant type: single nucleotide variant.
Coding change: c.2423A>C on transcript NM_153240.5 (MANE Select); coding-DNA position 2423, A replaced by C.
Protein change: p.Lys808Thr; replaces lysine 808 with threonine.
Molecular consequence: missense variant. On other transcripts: non-coding transcript variant (1).
Genome position (GRCh38, 1-based): chr3:132,692,706, T>G on the plus strand (A>C on the coding strand, the complement: NPHP3 is on the minus strand). VCF-style: chr3-132692706-T-G. GRCh37 (hg19) VCF-style: chr3-132411550-T-G.
Other names: short protein forms K808T.
Identifiers: ClinVar variation 942251 (VCV000942251.10), dbSNP rs763361711, ClinGen allele CA2622023.